The following is an entry in ClinVar:

NM_020223.4(FAM20C):c.55G>T (p.Val19Leu)

Gene: FAM20C (FAM20C golgi associated secretory pathway kinase; plus strand). Cytogenetic location: 7p22.3.
Variant type: single nucleotide variant.
Coding change: c.55G>T on transcript NM_020223.4 (MANE Select); coding-DNA position 55, G replaced by T.
Protein change: p.Val19Leu; replaces valine 19 with leucine.
Molecular consequence: missense variant.
Genome position (GRCh38, 1-based): chr7:193,254, G>T. VCF-style: chr7-193254-G-T. GRCh37 (hg19) VCF-style: chr7-193254-G-T.
Other names: c.55G>T (NM_020223.2, NM_020223.3); short protein forms V19L.
Identifiers: ClinVar variation 1517259 (VCV001517259.11), dbSNP rs529612835, ClinGen allele CA4108885.

ClinVar aggregate classification (germline): Conflicting classifications of pathogenicity. Review status: criteria provided, conflicting classifications (1 of 4 stars). 3 submissions from 3 submitters: Uncertain significance (2); Likely benign (1). Last evaluated 2026-07-20.

Conditions:
Inborn genetic diseases. Identifiers: MedGen C0950123, MeSH D030342.

Allele frequency attached by ClinVar (database versions not stated): gnomAD exomes 0.00011 and 0.00010; ExAC 0.00022; 1000 Genomes Project 30x 0.00078; TOPMed 0.00081; gnomAD 0.00067 and 0.00070; 1000 Genomes Project 0.00040.
gnomAD v4.1: 243 of 1,466,828 alleles (0.017%); highest among the groups gnomAD compares: African/African-American, 0.21%; no homozygotes.

Submissions (3):

GeneDx
Classification: Uncertain significance. Last evaluated: 2026-07-20. Review status: criteria provided, single submitter. Criteria: GeneDx Variant Classification Process June 2021. Collection method: clinical testing. Allele origin: germline.
Comment: In silico analysis suggests that this missense variant does not alter protein structure/function; Has not been previously published as pathogenic or benign to our knowledge

Labcorp Genetics (formerly Invitae), Labcorp
Classification: Likely benign. Last evaluated: 2025-06-27. Review status: criteria provided, single submitter. Criteria: Invitae Variant Classification Sherloc (09022015). Collection method: clinical testing. Allele origin: germline.

Ambry Genetics
Classification: Uncertain significance for Inborn genetic diseases. Last evaluated: 2021-08-09. Review status: criteria provided, single submitter. Criteria: Ambry Variant Classification Scheme 2023. Collection method: clinical testing. Allele origin: germline.